The following is an entry in ClinVar:

ClinVar aggregate classification (germline): Uncertain significance. Review status: criteria provided, multiple submitters, no conflicts (2 of 4 stars). 2 submissions from 2 submitters: Uncertain significance (2). Last evaluated 2023-11-10.

Allele frequency attached by ClinVar (database versions not stated): gnomAD exomes 0.00001; TOPMed 0.00001.
gnomAD v4.1: 14 of 1,595,732 alleles (0.00088%); highest among the groups gnomAD compares: Admixed American, 0.0033%; no homozygotes.

Submissions (2):

Athena Diagnostics
Classification: Uncertain significance. Last evaluated: 2023-11-10. Review status: criteria provided, single submitter. Criteria: Athena Diagnostics Criteria. Collection method: clinical testing. Allele origin: unknown.
Comment: Available data are insufficient to determine the clinical significance of the variant at this time. The frequency of this variant in the general population is uninformative in assessment of its pathogenicity. Computational tools yielded predictions that this variant may result in the gain of a cryptic splice site without affecting the natural splice sites. This variant has been seen where an alternate explanation for disease was also identified, suggesting this variant may not cause disease.

GeneDx
Classification: Uncertain significance. Last evaluated: 2022-05-10. Review status: criteria provided, single submitter. Criteria: GeneDx Variant Classification Process June 2021. Collection method: clinical testing. Allele origin: germline. Affected: yes.
Comment: Has not been previously published as pathogenic or benign to our knowledge; In silico analysis, which includes splice predictors and evolutionary conservation, suggests this variant may impact gene splicing. In the absence of RNA/functional studies, the actual effect of this sequence change is unknown.

NM_001009944.3(PKD1):c.7365C>T (p.Gly2455=)

Gene: PKD1 (polycystin 1, transient receptor potential channel interacting; minus strand). Cytogenetic location: 16p13.3.
Variant type: single nucleotide variant.
Coding change: c.7365C>T on transcript NM_001009944.3 (MANE Select); coding-DNA position 7365, C replaced by T.
Protein change: p.Gly2455=; no amino-acid change (glycine 2455 retained).
Molecular consequence: synonymous variant.
Genome position (GRCh38, 1-based): chr16:2,106,522, G>A on the plus strand (C>T on the coding strand, the complement: PKD1 is on the minus strand). VCF-style: chr16-2106522-G-A. GRCh37 (hg19) VCF-style: chr16-2156523-G-A.
Other names: c.7365C>T, p.Gly2455= (NM_000296.4); c.7365C>T (NM_000296.3).
Identifiers: ClinVar variation 1723611 (VCV001723611.3), dbSNP rs758896718, ClinGen allele CA7831160.